The following is an entry in ClinVar:

NM_021978.4(ST14):c.1994+1G>A

Gene: ST14 (ST14 transmembrane serine protease matriptase; plus strand). Cytogenetic location: 11q24.3.
Variant type: single nucleotide variant.
Coding change: c.1994+1G>A on transcript NM_021978.4 (MANE Select); the canonical splice donor site of the intron after coding-DNA position 1994, G replaced by A.
Molecular consequence: splice donor variant.
Genome position (GRCh38, 1-based): chr11:130,200,138, G>A. VCF-style: chr11-130200138-G-A. GRCh37 (hg19) VCF-style: chr11-130070033-G-A.
Identifiers: ClinVar variation 3622681 (VCV003622681.2).

ClinVar aggregate classification (germline): Likely pathogenic (1 of 4 stars; one submission).

Submission:

Labcorp Genetics (formerly Invitae), Labcorp
Classification: Likely pathogenic. Last evaluated: 2024-12-04. Review status: criteria provided, single submitter. Criteria: Invitae Variant Classification Sherloc (09022015). Collection method: clinical testing. Allele origin: germline.
Comment: This sequence change affects a donor splice site in intron 16 of the ST14 gene. It is expected to disrupt RNA splicing. Variants that disrupt the donor or acceptor splice site typically lead to a loss of protein function (PMID: 16199547), and loss-of-function variants in ST14 are known to be pathogenic (PMID: 18843291, 25308318). This variant is not present in population databases (gnomAD no frequency). This variant has not been reported in the literature in individuals affected with ST14-related conditions. Algorithms developed to predict the effect of sequence changes on RNA splicing suggest that this variant may disrupt the consensus splice site. In summary, the currently available evidence indicates that the variant is pathogenic, but additional data are needed to prove that conclusively. Therefore, this variant has been classified as Likely Pathogenic.

Literature cited by the submitters: PubMed 16199547; PubMed 18843291; PubMed 25308318.